The following is an entry in ClinVar:

NM_020719.3(PRR12):c.1225C>G (p.Pro409Ala)

Gene: PRR12 (proline rich 12; plus strand). Cytogenetic location: 19q13.33.
Variant type: single nucleotide variant.
Coding change: c.1225C>G on transcript NM_020719.3 (MANE Select); coding-DNA position 1225, C replaced by G.
Protein change: p.Pro409Ala; replaces proline 409 with alanine.
Molecular consequence: missense variant.
Genome position (GRCh38, 1-based): chr19:49,595,560, C>G. VCF-style: chr19-49595560-C-G. GRCh37 (hg19) VCF-style: chr19-50098817-C-G.
Other names: short protein forms P409A.
Identifiers: ClinVar variation 1693341 (VCV001693341.2), dbSNP rs2122289869, ClinGen allele CA406861646.
Genomic context (GRCh38, chr19:49,595,560, plus strand): 5'-TACAAGACGGGCAAAGGTGGTTATGGAGCAGCTGCCGGGGGTGCCACCAGGCCCCCCCCA[C>G]CCCGTTCGACCGCCACCCCCAAATGTCAGAGCCTGGGTGGGCCAGCAGCCGCCTATGCCA-3'
Protein context (NP_065770.1, residues 399-419): AAGGATRPPP[Pro409Ala]RSTATPKCQS

ClinVar aggregate classification (germline): Uncertain significance (1 of 4 stars; one submission).

Submission:

GeneDx
Classification: Uncertain significance. Last evaluated: 2022-01-03. Review status: criteria provided, single submitter. Criteria: GeneDx Variant Classification Process June 2021. Collection method: clinical testing. Allele origin: germline. Affected: yes.
Comment: Not observed at significant frequency in large population cohorts (gnomAD); In silico analysis supports that this missense variant does not alter protein structure/function; Has not been previously published as pathogenic or benign to our knowledge